The following is an entry in ClinVar:

NM_001242896.3(DEPDC5):c.435G>A (p.Trp145Ter)

Gene: DEPDC5 (DEP domain containing 5, GATOR1 subcomplex subunit; plus strand). Cytogenetic location: 22q12.2.
Variant type: single nucleotide variant.
Coding change: c.435G>A on transcript NM_001242896.3 (MANE Select); coding-DNA position 435, G replaced by A.
Protein change: p.Trp145Ter; replaces tryptophan 145 with a stop codon.
Molecular consequence: nonsense. On other transcripts: non-coding transcript variant (5).
Genome position (GRCh38, 1-based): chr22:31,778,120, G>A. VCF-style: chr22-31778120-G-A. GRCh37 (hg19) VCF-style: chr22-32174106-G-A.
Other names: c.435G>A, p.Trp145Ter (NM_001007188.4, NM_001136029.4, NM_001242897.2 and 7 more transcripts); c.351G>A, p.Trp117Ter (NM_001369901.1, NM_001369902.1); short protein forms W145*, W117*.
Identifiers: ClinVar variation 264716 (VCV000264716.3), dbSNP rs886039247, ClinGen allele CA10588024.
Genomic context (GRCh38, chr22:31,778,120, plus strand): 5'-ATGTAAGACTTGTAATAACTTGTGTGTGTATTCTTTCAGAGCACAGGCTGGTGAACTGTG[G>A]GTTAAGAATGAGAAGGTCATGTGTGGCTACATCAGTGAAGATACCAGGGTAAGATTTATA-3'

ClinVar aggregate classification (germline): Likely pathogenic. Review status: criteria provided, single submitter (1 of 4 stars). 2 submissions from 2 submitters: Likely pathogenic (1). 1 of the submissions does not count toward it. Last evaluated 2025-06-12.

Conditions:
Epilepsy, familial focal, with variable foci 1 (FFEVF1). Also called: DEPDC5-Related Epilepsy. Identifiers: MedGen C4551983, MONDO:0024556, OMIM 604364.

Submissions (2):

GeneDx
Classification: Likely pathogenic. Last evaluated: 2025-06-12. Review status: criteria provided, single submitter. Criteria: GeneDx Variant Classification Process June 2021. Collection method: clinical testing. Allele origin: germline. Affected: yes.
Comment: Nonsense variant predicted to result in protein truncation or nonsense mediated decay in a gene for which loss of function is a known mechanism of disease; Not observed at significant frequency in large population cohorts (gnomAD); Previously reported in two siblings with nocturnal frontal lobe epilepsy, and their mother with migraine headaches (PMID: 26505888); This variant is associated with the following publications: (PMID: 26505888, 30093711)

GeneReviews
No classification provided. Condition: Epilepsy, familial focal, with variable foci 1. Review status: no classification provided. Collection method: literature only. Allele origin: germline. Affected: yes. Not counted in ClinVar's aggregate classification.

Literature cited by the submitters: PubMed 26505888 (cited by GeneReviews); NCBI Bookshelf NBK385626 (cited by GeneReviews).